The following is an entry in ClinVar:

ClinVar aggregate classification (germline): Uncertain significance (1 of 4 stars; one submission).

Allele frequency attached by ClinVar (database versions not stated): gnomAD exomes below 0.00001.
gnomAD v4.1: 1 of 1,614,028 alleles (0.000062%); highest among the groups gnomAD compares: Non-Finnish European, 0.000085%; no homozygotes.

Submission:

Ambry Genetics
Classification: Uncertain significance. Last evaluated: 2024-09-06. Review status: criteria provided, single submitter. Criteria: Ambry Variant Classification Scheme 2023. Collection method: clinical testing. Allele origin: germline.
Comment: The p.P594L variant (also known as c.1781C>T), located in coding exon 16 of the BUB1 gene, results from a C to T substitution at nucleotide position 1781. The proline at codon 594 is replaced by leucine, an amino acid with similar properties. This amino acid position is conserved. In addition, the in silico prediction for this alteration is inconclusive. Since supporting evidence is limited at this time, the clinical significance of this alteration remains unclear.

NM_004336.5(BUB1):c.1781C>T (p.Pro594Leu)

Gene: BUB1 (BUB1 mitotic checkpoint serine/threonine kinase; minus strand). Cytogenetic location: 2q13.
Variant type: single nucleotide variant.
Coding change: c.1781C>T on transcript NM_004336.5 (MANE Select); coding-DNA position 1781, C replaced by T.
Protein change: p.Pro594Leu; replaces proline 594 with leucine.
Molecular consequence: missense variant.
Genome position (GRCh38, 1-based): chr2:110,655,834, G>A on the plus strand (C>T on the coding strand, the complement: BUB1 is on the minus strand). VCF-style: chr2-110655834-G-A. GRCh37 (hg19) VCF-style: chr2-111413411-G-A.
Other names: c.1721C>T, p.Pro574Leu (NM_001278616.2); c.1781C>T, p.Pro594Leu (NM_001278617.2); short protein forms P594L, P574L.
Identifiers: ClinVar variation 1780006 (VCV001780006.4), dbSNP rs2468001953, ClinGen allele CA348210816.